The following is an entry in ClinVar:

NM_000368.5(TSC1):c.2514T>A (p.Ser838Arg)

Gene: TSC1 (TSC complex subunit 1; minus strand). Cytogenetic location: 9q34.13.
Variant type: single nucleotide variant.
Coding change: c.2514T>A on transcript NM_000368.5 (MANE Select); coding-DNA position 2514, T replaced by A.
Protein change: p.Ser838Arg; replaces serine 838 with arginine.
Molecular consequence: missense variant.
Genome position (GRCh38, 1-based): chr9:132,900,826, A>T on the plus strand (T>A on the coding strand, the complement: TSC1 is on the minus strand). VCF-style: chr9-132900826-A-T. GRCh37 (hg19) VCF-style: chr9-135776213-A-T.
Other names: c.2511T>A, p.Ser837Arg (NM_001162426.2, NM_001406597.1, NM_001406598.1 and 2 more transcripts); c.2361T>A, p.Ser787Arg (NM_001162427.2, NM_001406610.1); c.2151T>A, p.Ser717Arg (NM_001362177.2, NM_001406614.1, NM_001406615.1 and 4 more transcripts); c.2514T>A, p.Ser838Arg (NM_001406592.1, NM_001406593.1, NM_001406594.1 and 2 more transcripts); c.2499T>A, p.Ser833Arg (NM_001406601.1, NM_001406602.1); c.2496T>A, p.Ser832Arg (NM_001406603.1, NM_001406604.1); c.2472T>A, p.Ser824Arg (NM_001406605.1, NM_001406606.1, NM_001406607.1); c.2469T>A, p.Ser823Arg (NM_001406608.1, NM_001406609.1); and 8 more; short protein forms S717R, S772R, S833R, S520R, S702R, S703R, S786R, S824R.
Identifiers: ClinVar variation 1792448 (VCV001792448.2), dbSNP rs786203259, ClinGen allele CA375370323.

ClinVar aggregate classification (germline): Uncertain significance (1 of 4 stars; one submission).

Conditions:
Hereditary cancer-predisposing syndrome. Also called: Hereditary Cancer Syndrome; Hereditary neoplastic syndrome; Tumor predisposition; Neoplastic Syndromes, Hereditary. Identifiers: Orphanet 140162, MedGen C0027672, MeSH D009386, MONDO:0015356.

Submission:

Ambry Genetics
Classification: Uncertain significance for Hereditary cancer-predisposing syndrome. Last evaluated: 2022-06-04. Review status: criteria provided, single submitter. Criteria: Ambry Variant Classification Scheme 2023. Collection method: clinical testing. Allele origin: germline.
Comment: The p.S838R variant (also known as c.2514T>A), located in coding exon 18 of the TSC1 gene, results from a T to A substitution at nucleotide position 2514. The serine at codon 838 is replaced by arginine, an amino acid with dissimilar properties. This amino acid position is conserved. In addition, this alteration is predicted to be deleterious by in silico analysis. Since supporting evidence is limited at this time, the clinical significance of this alteration remains unclear.